The following is an entry in ClinVar:

ClinVar aggregate classification (germline): Uncertain significance. Review status: criteria provided, multiple submitters, no conflicts (2 of 4 stars). 2 submissions from 2 submitters: Uncertain significance (2). Last evaluated 2025-06-22.

Conditions:
Cardiovascular phenotype. Identifiers: MedGen CN230736.
Catecholaminergic polymorphic ventricular tachycardia 1. Also called: VENTRICULAR TACHYCARDIA, STRESS-INDUCED POLYMORPHIC 1; RYR2-Related Catecholaminergic Polymorphic Ventricular Tachycardia; VENTRICULAR TACHYCARDIA, CATECHOLAMINERGIC POLYMORPHIC, 1, WITH OR WITHOUT ATRIAL DYSFUNCTION AND/OR DILATED CARDIOMYOPATHY. Identifiers: Orphanet 3286, MedGen C1631597, MONDO:0011484, OMIM 604772.

Allele frequency attached by ClinVar (database versions not stated): gnomAD exomes 0.00002; TOPMed 0.00002; ExAC 0.00003; gnomAD 0.00004.
gnomAD v4.1: 35 of 1,610,294 alleles (0.0022%); highest among the groups gnomAD compares: African/African-American, 0.0094%; no homozygotes.

Submissions (2):

Ambry Genetics
Classification: Uncertain significance for Cardiovascular phenotype. Last evaluated: 2025-06-22. Review status: criteria provided, single submitter. Criteria: Ambry Variant Classification Scheme 2023. Collection method: clinical testing. Allele origin: germline.
Comment: The p.R711H variant (also known as c.2132G>A), located in coding exon 41 of the TRDN gene, results from a G to A substitution at nucleotide position 2132. The arginine at codon 711 is replaced by histidine, an amino acid with highly similar properties. This amino acid position is poorly conserved in available vertebrate species, and histidine is the reference amino acid in other vertebrate species. In addition, this alteration is predicted to be tolerated by in silico analysis. Since supporting evidence is limited at this time, the clinical significance of this alteration remains unclear.

Labcorp Genetics (formerly Invitae), Labcorp
Classification: Uncertain significance for Catecholaminergic polymorphic ventricular tachycardia 1. Last evaluated: 2023-10-06. Review status: criteria provided, single submitter. Criteria: Invitae Variant Classification Sherloc (09022015). Collection method: clinical testing. Allele origin: germline.
Comment: This sequence change replaces arginine, which is basic and polar, with histidine, which is basic and polar, at codon 711 of the TRDN protein (p.Arg711His). The frequency data for this variant in the population databases is considered unreliable, as metrics indicate poor data quality at this position in the gnomAD database. This variant has not been reported in the literature in individuals affected with TRDN-related conditions. ClinVar contains an entry for this variant (Variation ID: 949355). Algorithms developed to predict the effect of missense changes on protein structure and function output the following: SIFT: "Not Available"; PolyPhen-2: "Benign"; Align-GVGD: "Not Available". The histidine amino acid residue is found in multiple mammalian species, which suggests that this missense change does not adversely affect protein function. In summary, the available evidence is currently insufficient to determine the role of this variant in disease. Therefore, it has been classified as a Variant of Uncertain Significance.

NM_006073.4(TRDN):c.2132G>A (p.Arg711His)

Gene: TRDN (triadin; minus strand). Cytogenetic location: 6q22.31.
Variant type: single nucleotide variant.
Coding change: c.2132G>A on transcript NM_006073.4 (MANE Select); coding-DNA position 2132, G replaced by A.
Protein change: p.Arg711His; replaces arginine 711 with histidine.
Molecular consequence: missense variant.
Genome position (GRCh38, 1-based): chr6:123,218,659, C>T on the plus strand (G>A on the coding strand, the complement: TRDN is on the minus strand). VCF-style: chr6-123218659-C-T. GRCh37 (hg19) VCF-style: chr6-123539804-C-T.
Other names: short protein forms R711H.
Identifiers: ClinVar variation 949355 (VCV000949355.50), dbSNP rs763375903, ClinGen allele CA3983589.